The following is an entry in ClinVar:

NM_000059.4(BRCA2):c.5192A>T (p.His1731Leu)

Gene: BRCA2 (BRCA2 DNA repair associated; plus strand). Cytogenetic location: 13q13.1.
Variant type: single nucleotide variant.
Coding change: c.5192A>T on transcript NM_000059.4 (MANE Select); coding-DNA position 5192, A replaced by T.
Protein change: p.His1731Leu; replaces histidine 1731 with leucine.
Molecular consequence: missense variant.
Genome position (GRCh38, 1-based): chr13:32,339,547, A>T. VCF-style: chr13-32339547-A-T. GRCh37 (hg19) VCF-style: chr13-32913684-A-T.
Other names: c.5192A>T, p.His1731Leu (NM_001406719.1, NM_001406720.1); short protein forms H1731L.
Identifiers: ClinVar variation 1745923 (VCV001745923.4), dbSNP rs765259371, ClinGen allele CA387784577.

ClinVar aggregate classification (germline): Conflicting classifications of pathogenicity. Review status: criteria provided, conflicting classifications (1 of 4 stars). 2 submissions from 2 submitters: Uncertain significance (1); Likely benign (1). Last evaluated 2023-03-23.

Conditions:
Hereditary cancer-predisposing syndrome. Also called: Hereditary Cancer Syndrome; Neoplastic Syndromes, Hereditary; Tumor predisposition; Hereditary neoplastic syndrome. Identifiers: Orphanet 140162, MedGen C0027672, MeSH D009386, MONDO:0015356.

Submissions (2):

University of Washington Department of Laboratory Medicine, University of Washington
Classification: Likely benign for Hereditary cancer-predisposing syndrome. Last evaluated: 2023-03-23. Review status: criteria provided, single submitter. Criteria: Dines et al. (Genet Med. 2020). Collection method: curation. Allele origin: germline.
Comment: Missense variant in a coldspot region where missense variants are very unlikely to be pathogenic (PMID:31911673).

BRCA2 exon 11 coldspot. Reclassification based on statistical prior probability.

Ambry Genetics
Classification: Uncertain significance for Hereditary cancer-predisposing syndrome. Last evaluated: 2019-11-21. Review status: criteria provided, single submitter. Criteria: Ambry Variant Classification Scheme 2023. Collection method: clinical testing. Allele origin: germline.
Comment: The p.H1731L variant (also known as c.5192A>T), located in coding exon 10 of the BRCA2 gene, results from an A to T substitution at nucleotide position 5192. The histidine at codon 1731 is replaced by leucine, an amino acid with similar properties. This amino acid position is not well conserved in available vertebrate species. In addition, this alteration is predicted to be tolerated by in silico analysis. Since supporting evidence is limited at this time, the clinical significance of this alteration remains unclear.